The following is an entry in ClinVar:

NM_177438.3(DICER1):c.2338C>G (p.Pro780Ala)

Gene: DICER1 (dicer 1, ribonuclease III; minus strand). Cytogenetic location: 14q32.13.
Variant type: single nucleotide variant.
Coding change: c.2338C>G on transcript NM_177438.3 (MANE Select); coding-DNA position 2338, C replaced by G.
Protein change: p.Pro780Ala; replaces proline 780 with alanine.
Molecular consequence: missense variant. On other transcripts: non-coding transcript variant (6).
Genome position (GRCh38, 1-based): chr14:95,108,422, G>C on the plus strand (C>G on the coding strand, the complement: DICER1 is on the minus strand). VCF-style: chr14-95108422-G-C. GRCh37 (hg19) VCF-style: chr14-95574759-G-C.
Other names: c.2338C>G, p.Pro780Ala (NM_001195573.1, NM_001271282.3, NM_001291628.2 and 13 more transcripts); c.2056C>G, p.Pro686Ala (NM_001395686.1); c.1933C>G, p.Pro645Ala (NM_001395687.1, NM_001395688.1, NM_001395689.1 and 2 more transcripts); c.1771C>G, p.Pro591Ala (NM_001395691.1); c.655C>G, p.Pro219Ala (NM_001395697.1); short protein forms P219A, P591A, P780A, P645A, P686A.
Identifiers: ClinVar variation 2854387 (VCV002854387.3), dbSNP rs1891654798, ClinGen allele CA390882262.
Genomic context (GRCh38, chr14:95,108,422, plus strand): 5'-TTGTGGTATCTTCAGGAGGATAGAGCTTCCGCCTTCTAAAGTTGAGTTCATCAGGTAAAG[G>C]TGTAGTTAAAACCATTCCTATCACATACAGGTAACAGGGCTGATCAGGTCTGGGATAACT-3'
Protein context (NP_803187.1, residues 770-790): LYVIGMVLTT[Pro780Ala]LPDELNFRRR

ClinVar aggregate classification (germline): Uncertain significance (1 of 4 stars; one submission).

Conditions:
DICER1-related tumor predisposition. Also called: DICER1-related pleuropulmonary blastoma cancer predisposition syndrome; DICER1 syndrome. Identifiers: Orphanet 284343, MedGen C3839822, MONDO:0100216.

Submission:

Labcorp Genetics (formerly Invitae), Labcorp
Classification: Uncertain significance for DICER1-related tumor predisposition. Last evaluated: 2023-09-15. Review status: criteria provided, single submitter. Criteria: Invitae Variant Classification Sherloc (09022015). Collection method: clinical testing. Allele origin: germline.
Comment: This sequence change replaces proline, which is neutral and non-polar, with alanine, which is neutral and non-polar, at codon 780 of the DICER1 protein (p.Pro780Ala). In summary, the available evidence is currently insufficient to determine the role of this variant in disease. Therefore, it has been classified as a Variant of Uncertain Significance. Algorithms developed to predict the effect of sequence changes on RNA splicing suggest that this variant may create or strengthen a splice site. Advanced modeling of protein sequence and biophysical properties (such as structural, functional, and spatial information, amino acid conservation, physicochemical variation, residue mobility, and thermodynamic stability) performed at Invitae indicates that this missense variant is not expected to disrupt DICER1 protein function. This variant has not been reported in the literature in individuals affected with DICER1-related conditions. This variant is not present in population databases (gnomAD no frequency).